The following is an entry in ClinVar:

ClinVar aggregate classification (germline): Uncertain significance (1 of 4 stars; one submission).

Conditions:
Alstrom syndrome (ALMS). Identifiers: Orphanet 64, MedGen C0268425, MONDO:0008763, OMIM 203800.

Allele frequency attached by ClinVar (database versions not stated): TOPMed below 0.00001.

Submission:

Labcorp Genetics (formerly Invitae), Labcorp
Classification: Uncertain significance for Alstrom syndrome. Last evaluated: 2022-07-05. Review status: criteria provided, single submitter. Criteria: Invitae Variant Classification Sherloc (09022015). Collection method: clinical testing. Allele origin: germline.
Comment: This sequence change replaces isoleucine, which is neutral and non-polar, with valine, which is neutral and non-polar, at codon 2578 of the ALMS1 protein (p.Ile2578Val). This variant is not present in population databases (gnomAD no frequency). This variant has not been reported in the literature in individuals affected with ALMS1-related conditions. Experimental studies and prediction algorithms are not available or were not evaluated, and the functional significance of this variant is currently unknown. In summary, the available evidence is currently insufficient to determine the role of this variant in disease. Therefore, it has been classified as a Variant of Uncertain Significance.

NM_001378454.1(ALMS1):c.7729A>G (p.Ile2577Val)

Gene: ALMS1 (ALMS1 centrosome and basal body associated protein; plus strand). Cytogenetic location: 2p13.1.
Variant type: single nucleotide variant.
Coding change: c.7729A>G on transcript NM_001378454.1 (MANE Select); coding-DNA position 7729, A replaced by G.
Protein change: p.Ile2577Val; replaces isoleucine 2577 with valine.
Molecular consequence: missense variant.
Genome position (GRCh38, 1-based): chr2:73,489,688, A>G. VCF-style: chr2-73489688-A-G. GRCh37 (hg19) VCF-style: chr2-73716815-A-G.
Other names: c.7732A>G, p.Ile2578Val (NM_015120.4); short protein forms I2577V, I2578V.
Identifiers: ClinVar variation 1911327 (VCV001911327.2), dbSNP rs1672932360, ClinGen allele CA347263942.